The following is an entry in ClinVar:

NM_024408.4(NOTCH2):c.5712T>G (p.Asn1904Lys)

Gene: NOTCH2 (notch receptor 2; minus strand). Cytogenetic location: 1p12.
Variant type: single nucleotide variant.
Coding change: c.5712T>G on transcript NM_024408.4 (MANE Select); coding-DNA position 5712, T replaced by G.
Protein change: p.Asn1904Lys; replaces asparagine 1904 with lysine.
Molecular consequence: missense variant.
Genome position (GRCh38, 1-based): chr1:119,919,381, A>C on the plus strand (T>G on the coding strand, the complement: NOTCH2 is on the minus strand). VCF-style: chr1-119919381-A-C. GRCh37 (hg19) VCF-style: chr1-120462004-A-C.
Other names: short protein forms N1904K.
Identifiers: ClinVar variation 4992913 (VCV004992913.1).

ClinVar aggregate classification (germline): Uncertain significance (1 of 4 stars; one submission).

Conditions:
NOTCH2-related disorder. Also called: NOTCH2-related condition.

Submission:

PreventionGenetics, part of Exact Sciences
Classification: Uncertain significance for NOTCH2-related condition. Last evaluated: 2026-09-15. Review status: criteria provided, single submitter. Criteria: ACMG Guidelines, 2015. Collection method: clinical testing. Allele origin: germline.
Comment: The NOTCH2 c.5712T>G variant is predicted to result in the amino acid substitution p.Asn1904Lys. To our knowledge, this variant has not been reported in the literature or in a large population database (gnomAD), indicating this variant is rare. At this time, the clinical significance of this variant is uncertain due to the absence of conclusive functional and genetic evidence.